The following is an entry in ClinVar:

NM_001039.4(SCNN1G):c.564C>A (p.His188Gln)

Gene: SCNN1G (sodium channel epithelial 1 subunit gamma; plus strand). Cytogenetic location: 16p12.2.
Variant type: single nucleotide variant.
Coding change: c.564C>A on transcript NM_001039.4 (MANE Select); coding-DNA position 564, C replaced by A.
Protein change: p.His188Gln; replaces histidine 188 with glutamine.
Molecular consequence: missense variant.
Genome position (GRCh38, 1-based): chr16:23,189,617, C>A. VCF-style: chr16-23189617-C-A. GRCh37 (hg19) VCF-style: chr16-23200938-C-A.
Other names: short protein forms H188Q.
Identifiers: ClinVar variation 1331727 (VCV001331727.2), dbSNP rs899371749, ClinGen allele CA7959599.
Genomic context (GRCh38, chr16:23,189,617, plus strand): 5'-GGGCAAGGCCAGGGACTTCTTCACAGGGAGGAAGCGGAAAGTCGGCGGTAGCATCATTCA[C>A]AAGGCTTCAAATGTCATGCACATCGAGTCCAAGCAAGTGGTGGGATTCCAACTGGTAAGA-3'
Protein context (NP_001030.2, residues 178-198): RKRKVGGSII[His188Gln]KASNVMHIES

ClinVar aggregate classification (germline): Uncertain significance. Review status: criteria provided, multiple submitters, no conflicts (2 of 4 stars). 2 submissions from 2 submitters: Uncertain significance (2). Last evaluated 2024-04-30.

Conditions:
Bronchiectasis with or without elevated sweat chloride 3 (BESC3). Identifiers: Orphanet 60033, MedGen C2751324, MONDO:0013112, OMIM 613071.
Liddle syndrome 2. Identifiers: MedGen C4748251, MONDO:0020854, OMIM 618114.
Pseudohypoaldosteronism, type IB3, autosomal recessive (PHA1B3). Identifiers: MedGen C5774256, MONDO:0859318, OMIM 620126.

Allele frequency attached by ClinVar (database versions not stated): gnomAD exomes below 0.00001; ExAC 0.00001; gnomAD 0.00003; TOPMed 0.00003.
gnomAD v4.1: 6 of 1,614,118 alleles (0.00037%); highest among the groups gnomAD compares: African/African-American, 0.0067%; no homozygotes.

Submissions (2):

Fulgent Genetics
Classification: Uncertain significance for Bronchiectasis with or without elevated sweat chloride 3; Liddle syndrome 2; Pseudohypoaldosteronism, type IB3, autosomal recessive. Last evaluated: 2024-04-30. Review status: criteria provided, single submitter. Criteria: ACMG Guidelines, 2015. Collection method: clinical testing. Allele origin: germline.

Johns Hopkins Genomics, Johns Hopkins University
Classification: Uncertain significance for Bronchiectasis with or without elevated sweat chloride 3. Last evaluated: 2021-09-16. Review status: criteria provided, single submitter. Criteria: ACMG Guidelines, 2015. Collection method: clinical testing. Allele origin: germline.
Comment: This SCNN1G variant is absent from a large population dataset and has not been reported in ClinVar nor the literature, to our knowledge. Three bioinformatic tools queried predict that this substitution would be tolerated although the histidine residue at this position is evolutionarily conserved across most species assessed. We consider the clinical significance of SCNN1G c.564C>A to be uncertain at this time.

Literature cited by the submitters: PubMed 18507830 (cited by Johns Hopkins Genomics, Johns Hopkins University).